The following is an entry in ClinVar:

NM_198576.4(AGRN):c.3569G>A (p.Arg1190His)

Gene: AGRN (agrin; plus strand). Cytogenetic location: 1p36.33.
Variant type: single nucleotide variant.
Coding change: c.3569G>A on transcript NM_198576.4 (MANE Select); coding-DNA position 3569, G replaced by A.
Protein change: p.Arg1190His; replaces arginine 1190 with histidine.
Molecular consequence: missense variant.
Genome position (GRCh38, 1-based): chr1:1,047,625, G>A. VCF-style: chr1-1047625-G-A. GRCh37 (hg19) VCF-style: chr1-983005-G-A.
Other names: c.3569G>A, p.Arg1190His (NM_001305275.2); c.3254G>A, p.Arg1085His (NM_001364727.2); short protein forms R1190H, R1085H.
Identifiers: ClinVar variation 541152 (VCV000541152.12), dbSNP rs149762107, ClinGen allele CA509143.

ClinVar aggregate classification (germline): Uncertain significance. Review status: criteria provided, multiple submitters, no conflicts (2 of 4 stars). 2 submissions from 2 submitters: Uncertain significance (2). Last evaluated 2024-05-13.

Conditions:
Congenital myasthenic syndrome 8. Also called: Myasthenic syndrome, congenital, 8, with pre- and postsynaptic defects; MYASTHENIC SYNDROME, CONGENITAL, DUE TO AGRIN DEFICIENCY. Identifiers: Orphanet 590, MedGen C3808739, MONDO:0014052, OMIM 615120.
Inborn genetic diseases. Identifiers: MedGen C0950123, MeSH D030342.

Allele frequency attached by ClinVar (database versions not stated): gnomAD 0.00006; ExAC 0.00008; 1000 Genomes Project 0.00020; ESP Exome Variant Server 0.00015; TOPMed 0.00014; 1000 Genomes Project 30x 0.00016; gnomAD exomes 0.00008.
gnomAD v4.1: 215 of 1,613,066 alleles (0.013%); highest among the groups gnomAD compares: African/African-American, 0.043%; no homozygotes.

Submissions (2):

Ambry Genetics
Classification: Uncertain significance for Inborn genetic diseases. Last evaluated: 2024-05-13. Review status: criteria provided, single submitter. Criteria: Ambry Variant Classification Scheme 2023. Collection method: clinical testing. Allele origin: germline.

Labcorp Genetics (formerly Invitae), Labcorp
Classification: Uncertain significance for Congenital myasthenic syndrome 8. Last evaluated: 2023-10-13. Review status: criteria provided, single submitter. Criteria: Invitae Variant Classification Sherloc (09022015). Collection method: clinical testing. Allele origin: germline.
Comment: This sequence change replaces arginine, which is basic and polar, with histidine, which is basic and polar, at codon 1190 of the AGRN protein (p.Arg1190His). This variant is present in population databases (rs149762107, gnomAD 0.03%). This variant has not been reported in the literature in individuals affected with AGRN-related conditions. ClinVar contains an entry for this variant (Variation ID: 541152). Algorithms developed to predict the effect of missense changes on protein structure and function output the following: SIFT: "Not Available"; PolyPhen-2: "Benign"; Align-GVGD: "Not Available". The histidine amino acid residue is found in multiple mammalian species, which suggests that this missense change does not adversely affect protein function. In summary, the available evidence is currently insufficient to determine the role of this variant in disease. Therefore, it has been classified as a Variant of Uncertain Significance.